The following is an entry in ClinVar:

NM_025099.6(CTC1):c.*1041A>G

Gene: CTC1 (CST telomere replication complex component 1; minus strand). Cytogenetic location: 17p13.1.
Variant type: single nucleotide variant.
Coding change: c.*1041A>G on transcript NM_025099.6 (MANE Select); 1041 bases downstream of the stop codon, A replaced by G.
Molecular consequence: 3 prime UTR variant. On other transcripts: non-coding transcript variant (1).
Genome position (GRCh38, 1-based): chr17:8,227,139, T>C on the plus strand (A>G on the coding strand, the complement: CTC1 is on the minus strand). VCF-style: chr17-8227139-T-C. GRCh37 (hg19) VCF-style: chr17-8130457-T-C.
Identifiers: ClinVar variation 326048 (VCV000326048.5), dbSNP rs148405704, ClinGen allele CA10650514.

ClinVar aggregate classification (germline): Benign (1 of 4 stars; one submission).

Conditions:
Dyskeratosis congenita. Identifiers: Orphanet 1775, MedGen C0265965, MONDO:0015780.

Allele frequency attached by ClinVar (database versions not stated): gnomAD 0.00430; TOPMed 0.00564; 1000 Genomes Project 0.00699; 1000 Genomes Project 30x 0.00796.

Submission:

Illumina Laboratory Services, Illumina
Classification: Benign for Dyskeratosis congenita. Last evaluated: 2018-01-13. Review status: criteria provided, single submitter. Criteria: ICSL Variant Classification Criteria 13 December 2019. Collection method: clinical testing. Allele origin: germline.
Comment: This variant was observed in the ICSL laboratory as part of a predisposition screen in an ostensibly healthy population. It had not been previously curated by ICSL or reported in the Human Gene Mutation Database (HGMD: prior to June 1st, 2018), and was therefore a candidate for classification through an automated scoring system. Utilizing variant allele frequency, disease prevalence and penetrance estimates, and inheritance mode, an automated score was calculated to assess if this variant is too frequent to cause the disease. Based on the score and internal cut-off values, a variant classified as benign is not then subjected to further curation. The score for this variant resulted in a classification of benign for this disease.